The following is an entry in ClinVar:

ClinVar aggregate classification (germline): Pathogenic. Review status: reviewed by expert panel (3 of 4 stars). 10 submissions from 10 submitters: Pathogenic (1). 9 of the submissions do not count toward it. Last evaluated 2021-10-26.

Conditions:
GAA-related disorders.
Glycogen storage disease, type II (IOPD). Also called: POMPE DISEASE, INFANTILE-ONSET; GLYCOGEN STORAGE DISEASE II, INFANTILE-ONSET; ACID ALPHA-GLUCOSIDASE DEFICIENCY, INFANTILE-ONSET; GAA DEFICIENCY, INFANTILE-ONSET; ACID MALTASE DEFICIENCY, INFANTILE-ONSET; GLYCOGENOSIS, GENERALIZED, CARDIAC FORM. Identifiers: Orphanet 365, MedGen C0017921, MONDO:0009290, OMIM 232300.

Allele frequency attached by ClinVar (database versions not stated): gnomAD 0.00001; gnomAD exomes 0.00001 and 0.00003; TOPMed 0.00001; ExAC 0.00008.

Submissions (10):

ClinGen Lysosomal Storage Disorder Variant Curation Expert Panel
Classification: Pathogenic for Glycogen storage disease, type II. Last evaluated: 2021-10-26. Review status: reviewed by expert panel. Criteria: clingen_lsd_acmg_specifications_v2-1. Collection method: curation. Allele origin: germline. Inheritance: Autosomal recessive inheritance.
Comment: The NM_000152.5:c.871C>T variant in GAA is a missense variant predicted to cause substitution of leucine by phenylalanine at amino acid 291 (p.Leu291Phe). Five patients with Pompe disease and this variant have been reported, four with characteristics specific for Pompe disease including published laboratory values showing deficient GAA activity and/or on enzyme replacement therapy and/or with documented symptoms consistent with infantile onset Pompe disease (PMID 25526786, 30737479, 31086307, 32849613) (PP4_Moderate). Four of these patients are compound heterozygous for the variant and a pathogenic variant in GAA, phase unknown, including c.716delT (PMID 32849613; 0.5 points), c.1798C>T (p.Arg600Cys)(PMID 26253708; 0.5 points), c.2238G>C (p.Trp746Cys)(PMID 25526786; 0.5 points), and c.2481+102_2646+31del (PMID 31086307; 0.5 points). One patient who is homozygous for the variant, due to uniparental disomy, has also been reported (PMID 30737479; 0.5 points). Total 2.5 points (PM3_Strong). The highest population minor allele frequency in gnomAD v2.1.1 is 0.00006378 in the African population, which is lower than the ClinGen LSD VCEP threshold (<0.001) for PM2_Supporting, meeting this criterion (PM2_Supporting). When expressed in COS cells, this variant had <5% wild type GAA activity and showed evidence of abnormal synthesis and processing on Western blot (PMID 22644586) (PS3_Moderate). The computational predictor REVEL gives a score of 0.701 which is above the threshold of 0.7, evidence that correlates with impact to GAA function (PP3). Two other missense changes, c.872T>C (p.Leu291Pro) and c.872T>A (p.Leu291His), at the same amino acid residue have been reported; c.872T>C (p.Leu291Pro) has been classified as pathogenic based on the specifications of the ClinGen LSD VCEP (CAID: CA401363854)(PM5). The data for this variant, c.871C>T (p.Leu291Phe, will be used in the assessment of p.Leu291His and is not included here to avoid circular logic. There is a ClinVar entry for this variant (Variation ID 956209; 1 star review status) with two submitters classifying the variant as pathogenic. In summary, this variant meets the criteria to be classified as pathogenic for Pompe disease. GAA-specific ACMG/AMP criteria met, as specified by the ClinGen LSD VCEP (Specifications Version 2.0): PM5, PP3, PS3_Moderate, PM3_Strong, PM2_Supporting, PP4_Moderate. (Classification approved by the ClinGen LSD VCEP - Oct. 19, 2021).

Genomenon, Inc
Classification: Likely pathogenic for Glycogen storage disease, type II. Last evaluated: 2026-07-01. Review status: criteria provided, single submitter. Criteria: Genomenon Sequence Variant Interpretation Standards - Updated. Collection method: curation. Allele origin: germline. Affected: yes. Not counted in ClinVar's aggregate classification.
Comment: GAA p.Leu291Phe (c.871C>T) is a missense variant that changes the amino acid at codon 291 from Leucine to Phenylalanine. This variant has been observed in at least one proband with a GAA-related disorder in the compound heterozygous and/or homozygous state (PMID:32849613;31086307;27417441;30737479;25526786). At least one functional study has demonstrated a substantial alteration in protein function relative to the wild-type (PMID:22644586). It is absent or not present at a significant frequency in gnomAD. In silico models predict that this variant is possibly or probably damaging. In conclusion, we classify GAA p.Leu291Phe (c.871C>T) as a likely pathogenic variant.

Labcorp Genetics (formerly Invitae), Labcorp
Classification: Pathogenic for Glycogen storage disease, type II. Last evaluated: 2026-01-24. Review status: criteria provided, single submitter. Criteria: Invitae Variant Classification Sherloc (09022015). Collection method: clinical testing. Allele origin: germline. Not counted in ClinVar's aggregate classification.
Comment: This sequence change replaces leucine, which is neutral and non-polar, with phenylalanine, which is neutral and non-polar, at codon 291 of the GAA protein (p.Leu291Phe). This variant is present in population databases (rs773417785, gnomAD 0.007%). This missense change has been observed in individual(s) with Pompe disease (PMID: 18425781, 25526786, 30737479, 31086307; internal data). In at least one individual the data is consistent with being in trans (on the opposite chromosome) from a pathogenic variant. ClinVar contains an entry for this variant (Variation ID: 956209). Invitae Evidence Modeling of protein sequence and biophysical properties (such as structural, functional, and spatial information, amino acid conservation, physicochemical variation, residue mobility, and thermodynamic stability) indicates that this missense variant is expected to disrupt GAA protein function with a positive predictive value of 95%. Experimental studies have shown that this missense change affects GAA function (PMID: 22644586). This variant disrupts the p.Leu291 amino acid residue in GAA. Other variant(s) that disrupt this residue have been observed in individuals with GAA-related conditions (PMID: 25213570), which suggests that this may be a clinically significant amino acid residue. For these reasons, this variant has been classified as Pathogenic.

Revvity Omics, Revvity
Classification: Pathogenic. Last evaluated: 2025-08-02. Review status: criteria provided, single submitter. Criteria: ACMG Guidelines, 2015. Collection method: clinical testing. Allele origin: germline. Not counted in ClinVar's aggregate classification.

GeneDx
Classification: Pathogenic. Last evaluated: 2024-10-15. Review status: criteria provided, single submitter. Criteria: GeneDx Variant Classification Process June 2021. Collection method: clinical testing. Allele origin: germline. Affected: yes. Not counted in ClinVar's aggregate classification.
Comment: Not observed at significant frequency in large population cohorts (gnomAD); In silico analysis supports that this missense variant has a deleterious effect on protein structure/function; Published functional studies found this variant is associated with significantly reduced enzyme activity (PMID: 22644586); This variant is associated with the following publications: (PMID: 18425781, 30275481, 30737479, 31086307, 22644586)

Baylor Genetics
Classification: Pathogenic for Glycogen storage disease, type II. Last evaluated: 2024-03-27. Review status: criteria provided, single submitter. Criteria: ACMG Guidelines, 2015. Collection method: clinical testing. Allele origin: unknown. Not counted in ClinVar's aggregate classification.

Blueprint Genetics
Classification: Pathogenic for GAA-related disorders. Last evaluated: 2023-06-16. Review status: criteria provided, single submitter. Criteria: ACMG Guidelines, 2015. Collection method: clinical testing. Allele origin: germline. Affected: yes. Observed: 4 variant alleles. Not counted in ClinVar's aggregate classification.

Women's Health and Genetics/Laboratory Corporation of America, LabCorp
Classification: Pathogenic for Glycogen storage disease, type II. Last evaluated: 2022-02-21. Review status: criteria provided, single submitter. Criteria: LabCorp Variant Classification Summary - May 2015. Collection method: clinical testing. Allele origin: germline. Not counted in ClinVar's aggregate classification.
Comment: Variant summary: GAA c.871C>T (p.Leu291Phe) results in a non-conservative amino acid change located in the Glycoside hydrolase family 31, N-terminal domain (IPR025887) of the encoded protein sequence. Five of five in-silico tools predict a damaging effect of the variant on protein function. The variant allele was found at a frequency of 3.3e-05 in 245142 control chromosomes. c.871C>T has been reported in the literature in individuals affected with Glycogen Storage Disease, Type 2 (Pompe Disease) (example, Kroos_2008, Liu_2014, Kishnani_2019, Labrijn-Marks_2019). At least one publication reports experimental evidence evaluating an impact on protein function. The most pronounced variant effect results in <10% of normal acid alpha-glucosidase activity (example, Kroos_2012). Three clinical diagnostic laboratories and an expert panel (ClinGen Lysosomal Storage Disorder Variant Curation Expert Panel) have submitted clinical-significance assessments for this variant to ClinVar after 2014 (Pathogenic, n=3; VUS, n=1). Based on the evidence outlined above, the variant was classified as pathogenic.

Fulgent Genetics
Classification: Likely pathogenic for Glycogen storage disease, type II. Last evaluated: 2022-02-01. Review status: criteria provided, single submitter. Criteria: ACMG Guidelines, 2015. Collection method: clinical testing. Allele origin: unknown. Not counted in ClinVar's aggregate classification.

Broad Center for Mendelian Genomics, Broad Institute of MIT and Harvard
Classification: Pathogenic for Glycogen storage disease, type II. Last evaluated: 2020-01-22. Review status: criteria provided, single submitter. Criteria: ACMG Guidelines, 2015. Collection method: curation. Allele origin: germline. Inheritance: Autosomal recessive inheritance. Not counted in ClinVar's aggregate classification.
Comment: The p.Leu291Phe variant in GAA has been reported in 3 individuals with glycogen storage disease II (PMID: 30737479, 25526786, 18425781), and has been identified in 0.006% (1/15678) of African chromosomes and 0.006% (7/110146) of European (non-Finnish) chromosomes by the Genome Aggregation Database (gnomAD; dbSNP rs773417785). Although this variant has been seen in the general population, its frequency is low enough to be consistent with a recessive carrier frequency. In vitro functional studies using COS cells transfected with the variant provide some evidence that the p.Leu291Phe variant may impact protein function (PMID: 22644586). However, these types of assays may not accurately represent biological function. Computational prediction tools and conservation analyses suggest that this variant may impact the protein, though this information is not predictive enough to determine pathogenicity. The phenotype of an individual heterozygous for this variant is highly specific for glycogen storage disease II based on the absence of any known pseudodeficiency alleles and GAA enzyme activity in lymphocytes being <10% of wild type, consistent with disease (PMID: 30737479). Two additional pathogenic and likely pathogenic variants, resulting in a different amino acid change at the same position, p.Leu291Pro and p.Leu291His, have been reported in association with disease in the literature (PMID: 18458862, 22644586, 18425781). Additionally, the homozygous occurrence of this variant (PMID: 30737479), as well as the presence of this variant in combination with reported pathogenic variant p.Trp746Cys (VariationID: 265160; PMID 25526786), in individuals with glycogen storage disease II increases the likelihood that the p.Leu291Phe variant is pathogenic. In summary, this variant meets criteria to be classified as pathogenic for glycogen storage disease II in an autosomal recessive manner based on in vitro functional studies, a patient with a phenotype highly specific for the disease, the presence of other pathogenic variants at the same location, and homozygous occurrence in an affected individual with another pathogenic variant. ACMG/AMP Criteria applied: PS3, PM2, PM3_supporting, PP4_moderate, PP3 (Richards 2015).

Literature cited by the submitters: PubMed 32849613 (cited by Genomenon, Inc); PubMed 31086307 (cited by 3 submitters); PubMed 27417441 (cited by Genomenon, Inc); PubMed 30737479 (cited by 3 submitters); PubMed 25526786 (cited by 3 submitters); PubMed 22644586 (cited by 3 submitters); PubMed 18425781 (cited by Labcorp Genetics (formerly Invitae), Labcorp and Women's Health and Genetics/Laboratory Corporation of America, LabCorp); PubMed 25213570 (cited by Labcorp Genetics (formerly Invitae), Labcorp).

NM_000152.5(GAA):c.871C>T (p.Leu291Phe)

Gene: GAA (alpha glucosidase; plus strand). Cytogenetic location: 17q25.3.
Variant type: single nucleotide variant.
Coding change: c.871C>T on transcript NM_000152.5 (MANE Select); coding-DNA position 871, C replaced by T.
Protein change: p.Leu291Phe; replaces leucine 291 with phenylalanine.
Molecular consequence: missense variant.
Genome position (GRCh38, 1-based): chr17:80,107,812, C>T. VCF-style: chr17-80107812-C-T. GRCh37 (hg19) VCF-style: chr17-78081611-C-T.
Other names: NM_000152.5(GAA):c.871C>T; p.Leu291Phe; c.871C>T (NM_000152.4); c.871C>T, p.Leu291Phe (NM_001079803.3, NM_001079804.3); short protein forms L291F.
Identifiers: ClinVar variation 956209 (VCV000956209.23), dbSNP rs773417785, ClinGen allele CA8815079.